The following is an entry in ClinVar:

ClinVar aggregate classification (germline): Uncertain significance (1 of 4 stars; one submission).

Conditions:
Joubert syndrome 18 (JBTS18). Identifiers: Orphanet 2754, MedGen C3553758, MONDO:0013896, OMIM 614815.
Orofacial-digital syndrome IV (OFD4). Also called: BARAITSER-BURN SYNDROME; MOHR-MAJEWSKI SYNDROME; OFD SYNDROME WITH TIBIAL DEFECTS; OFD SYNDROME, BARAITSER-BURN TYPE; OFDS IV; ORAL-FACIAL-DIGITAL SYNDROME, TYPE IV. Identifiers: Orphanet 2753, MedGen C0406727, MONDO:0009794, OMIM 258860.

Allele frequency attached by ClinVar (database versions not stated): gnomAD 0.00004 and 0.00005; 1000 Genomes Project 0.00040; 1000 Genomes Project 30x 0.00047.
gnomAD v4.1: 11 of 1,612,580 alleles (0.00068%); highest among the groups gnomAD compares: Admixed American, 0.017%; no homozygotes.

Submission:

Labcorp Genetics (formerly Invitae), Labcorp
Classification: Uncertain significance for Joubert syndrome 18; Orofacial-digital syndrome IV. Last evaluated: 2022-12-02. Review status: criteria provided, single submitter. Criteria: Invitae Variant Classification Sherloc (09022015). Collection method: clinical testing. Allele origin: germline.
Comment: In summary, the available evidence is currently insufficient to determine the role of this variant in disease. Therefore, it has been classified as a Variant of Uncertain Significance. Variants that disrupt the consensus splice site are a relatively common cause of aberrant splicing (PMID: 17576681, 9536098). Algorithms developed to predict the effect of sequence changes on RNA splicing suggest that this variant is not likely to affect RNA splicing. ClinVar contains an entry for this variant (Variation ID: 1355173). This variant has not been reported in the literature in individuals affected with TCTN3-related conditions. The frequency data for this variant in the population databases is considered unreliable, as metrics indicate poor data quality at this position in the gnomAD database. This sequence change falls in intron 4 of the TCTN3 gene. It does not directly change the encoded amino acid sequence of the TCTN3 protein. It affects a nucleotide within the consensus splice site.

Literature cited by the submitters: PubMed 17576681; PubMed 9536098.

NM_015631.6(TCTN3):c.627+6C>T

Gene: TCTN3 (tectonic family member 3; minus strand). Cytogenetic location: 10q24.1.
Variant type: single nucleotide variant.
Coding change: c.627+6C>T on transcript NM_015631.6 (MANE Select); 6 bases into the intron after coding-DNA position 627, C replaced by T.
Molecular consequence: intron variant.
Genome position (GRCh38, 1-based): chr10:95,687,586, G>A on the plus strand (C>T on the coding strand, the complement: TCTN3 is on the minus strand). VCF-style: chr10-95687586-G-A. GRCh37 (hg19) VCF-style: chr10-97447343-G-A.
Other names: c.500-427C>T (NM_001143973.2).
Identifiers: ClinVar variation 1355173 (VCV001355173.4), dbSNP rs190843846, ClinGen allele CA5621110.